The following is an entry in ClinVar:

ClinVar aggregate classification (germline): Uncertain significance (1 of 4 stars; one submission).

Conditions:
Primary ciliary dyskinesia. Also called: Ciliary dyskinesia. Identifiers: Orphanet 244, MedGen C0008780, MONDO:0016575, HP:0012265.

Submission:

Labcorp Genetics (formerly Invitae), Labcorp
Classification: Uncertain significance for Primary ciliary dyskinesia. Last evaluated: 2022-11-15. Review status: criteria provided, single submitter. Criteria: Invitae Variant Classification Sherloc (09022015). Collection method: clinical testing. Allele origin: germline.
Comment: In summary, the available evidence is currently insufficient to determine the role of this variant in disease. Therefore, it has been classified as a Variant of Uncertain Significance. Advanced modeling of protein sequence and biophysical properties (such as structural, functional, and spatial information, amino acid conservation, physicochemical variation, residue mobility, and thermodynamic stability) performed at Invitae indicates that this missense variant is not expected to disrupt DNAH11 protein function. ClinVar contains an entry for this variant (Variation ID: 1469468). This variant has not been reported in the literature in individuals affected with DNAH11-related conditions. This variant is not present in population databases (gnomAD no frequency). This sequence change replaces histidine with proline at codon 3434 of the DNAH11 protein (p.His3434Pro). The histidine residue is weakly conserved and there is a moderate physicochemical difference between histidine and proline.

NM_001277115.2(DNAH11):c.10301A>C (p.His3434Pro)

Gene: DNAH11 (dynein axonemal heavy chain 11; plus strand). Cytogenetic location: 7p15.3.
Variant type: single nucleotide variant.
Coding change: c.10301A>C on transcript NM_001277115.2 (MANE Select); coding-DNA position 10301, A replaced by C.
Protein change: p.His3434Pro; replaces histidine 3434 with proline.
Molecular consequence: missense variant.
Genome position (GRCh38, 1-based): chr7:21,808,018, A>C. VCF-style: chr7-21808018-A-C. GRCh37 (hg19) VCF-style: chr7-21847636-A-C.
Other names: short protein forms H3434P.
Identifiers: ClinVar variation 1469468 (VCV001469468.6), dbSNP rs754773184, ClinGen allele CA366946503.